The following is an entry in ClinVar:

ClinVar aggregate classification (germline): Pathogenic (1 of 4 stars; one submission).

Conditions:
Hereditary cancer-predisposing syndrome. Also called: Neoplastic Syndromes, Hereditary; Tumor predisposition; Hereditary neoplastic syndrome; Hereditary Cancer Syndrome. Identifiers: Orphanet 140162, MedGen C0027672, MeSH D009386, MONDO:0015356.
Cardiovascular phenotype. Identifiers: MedGen CN230736.

Submission:

Ambry Genetics
Classification: Pathogenic for Cardiovascular phenotype; Hereditary cancer-predisposing syndrome. Last evaluated: 2022-11-08. Review status: criteria provided, single submitter. Criteria: Ambry Variant Classification Scheme 2023. Collection method: clinical testing. Allele origin: germline.
Comment: The c.5803delC pathogenic mutation, located in coding exon 39 of the NF1 gene, results from a deletion of one nucleotide at nucleotide position 5803, causing a translational frameshift with a predicted alternate stop codon (p.L1935*). This variant is considered to be rare based on population cohorts in the Genome Aggregation Database (gnomAD). This alteration is expected to result in loss of function by premature protein truncation or nonsense-mediated mRNA decay. As such, this alteration is interpreted as a disease-causing mutation.

NM_001042492.3(NF1):c.5866del (p.Asn1955_Leu1956insTer)

Gene: NF1 (neurofibromin 1; plus strand). Cytogenetic location: 17q11.2.
Variant type: Deletion.
Coding change: c.5866del on transcript NM_001042492.3 (MANE Select); coding-DNA position 5866, one base deleted (C; older notation c.5866delC).
Protein change: p.Asn1955_Leu1956insTer.
Molecular consequence: nonsense. On other transcripts: frameshift variant (1).
Genome position (GRCh38, 1-based): chr17:31,334,891, C deleted. VCF-style (leftmost placement, unchanged base first): chr17-31334890-TC-T. GRCh37 (hg19) VCF-style: chr17-29661908-TC-T.
Other names: c.5803delC (NM_000267.3); c.5803delC, p.Leu1935Terfs (NM_000267.4).
Identifiers: ClinVar variation 2452202 (VCV002452202.2), dbSNP rs2508736519, ClinGen allele CA2580092965.